The following is an entry in ClinVar:

ClinVar aggregate classification (germline): Likely benign. Review status: criteria provided, single submitter (1 of 4 stars). 2 submissions from 2 submitters: Likely benign (1). 1 of the submissions does not count toward it. Last evaluated 2023-08-22.

Conditions:
Cohen syndrome (COH1). Also called: Cutis verticis gyrata, retinitis pigmentosa, and sensorineural deafness; PEPPER SYNDROME. Identifiers: Orphanet 193, MedGen C0265223, MONDO:0008999, OMIM 216550.
VPS13B-related disorder. Also called: VPS13B-related condition.

Allele frequency attached by ClinVar (database versions not stated): gnomAD exomes below 0.00001.
gnomAD v4.1: 1 of 1,613,708 alleles (0.000062%); highest among the groups gnomAD compares: Admixed American, 0.0017%; no homozygotes.

Submissions (2):

Labcorp Genetics (formerly Invitae), Labcorp
Classification: Likely benign for Cohen syndrome. Last evaluated: 2023-08-22. Review status: criteria provided, single submitter. Criteria: Invitae Variant Classification Sherloc (09022015). Collection method: clinical testing. Allele origin: germline.

PreventionGenetics, part of Exact Sciences
Classification: Likely benign for VPS13B-related condition. Last evaluated: 2023-10-04. Review status: no assertion criteria provided. Collection method: clinical testing. Allele origin: germline. Not counted in ClinVar's aggregate classification.
Comment: This variant is classified as likely benign based on ACMG/AMP sequence variant interpretation guidelines (Richards et al. 2015 PMID: 25741868, with internal and published modifications).

NM_152564.5(VPS13B):c.861A>G (p.Gly287=)

Gene: VPS13B (vacuolar protein sorting 13 homolog B; plus strand). Cytogenetic location: 8q22.2.
Variant type: single nucleotide variant.
Coding change: c.861A>G on transcript NM_152564.5 (MANE Select); coding-DNA position 861, A replaced by G.
Protein change: p.Gly287=; no amino-acid change (glycine 287 retained).
Molecular consequence: synonymous variant. On other transcripts: non-coding transcript variant (1).
Genome position (GRCh38, 1-based): chr8:99,115,798, A>G. VCF-style: chr8-99115798-A-G. GRCh37 (hg19) VCF-style: chr8-100128026-A-G.
Other names: c.861A>G, p.Gly287= (NM_015243.3, NM_017890.5, NM_181661.3).
Identifiers: ClinVar variation 2197224 (VCV002197224.5), dbSNP rs2132497926, ClinGen allele CA462421695.